The following is an entry in ClinVar:

ClinVar aggregate classification (germline): Uncertain significance (1 of 4 stars; one submission).

Conditions:
Dyskeratosis congenita, autosomal recessive 5 (DKCB5). Identifiers: MedGen C3554656, MONDO:0014076, OMIM 615190.
Pulmonary fibrosis and/or bone marrow failure, Telomere-related, 3. Also called: PULMONARY FIBROSIS AND/OR BONE MARROW FAILURE SYNDROME, TELOMERE-RELATED, 3. Identifiers: Orphanet 2032, MedGen C4225346, MONDO:0014613, OMIM 616373.

Submission:

Labcorp Genetics (formerly Invitae), Labcorp
Classification: Uncertain significance for Dyskeratosis congenita, autosomal recessive 5; Pulmonary fibrosis and/or bone marrow failure, Telomere-related, 3. Last evaluated: 2022-10-19. Review status: criteria provided, single submitter. Criteria: Invitae Variant Classification Sherloc (09022015). Collection method: clinical testing. Allele origin: germline.
Comment: In summary, the available evidence is currently insufficient to determine the role of this variant in disease. Therefore, it has been classified as a Variant of Uncertain Significance. Algorithms developed to predict the effect of missense changes on protein structure and function (SIFT, PolyPhen-2, Align-GVGD) all suggest that this variant is likely to be tolerated. This variant has not been reported in the literature in individuals affected with RTEL1-related conditions. This variant is not present in population databases (gnomAD no frequency). This sequence change replaces serine, which is neutral and polar, with phenylalanine, which is neutral and non-polar, at codon 1286 of the RTEL1 protein (p.Ser1286Phe).

NM_001283009.2(RTEL1):c.3857C>T (p.Ser1286Phe)

Genes: RTEL1 (regulator of telomere elongation helicase 1; plus strand), RTEL1-TNFRSF6B (RTEL1-TNFRSF6B readthrough (NMD candidate); plus strand). Cytogenetic location: 20q13.33.
Variant type: single nucleotide variant.
Coding change: c.3857C>T on transcript NM_001283009.2 (MANE Select); coding-DNA position 3857, C replaced by T.
Protein change: p.Ser1286Phe; replaces serine 1286 with phenylalanine.
Molecular consequence: missense variant. On other transcripts: non-coding transcript variant (1), 3 prime UTR variant (3).
Genome position (GRCh38, 1-based): chr20:63,695,812, C>T. VCF-style: chr20-63695812-C-T. GRCh37 (hg19) VCF-style: chr20-62327165-C-T.
Other names: c.*27C>T (NM_001283010.1, NM_016434.4, NM_032957.5); short protein forms S1286F.
Identifiers: ClinVar variation 1975583 (VCV001975583.5), dbSNP rs1302906506, ClinGen allele CA409710478.